The following is an entry in ClinVar:

ClinVar aggregate classification (germline): Uncertain significance (1 of 4 stars; one submission).

Submission:

Dasa
Classification: Uncertain significance. Last evaluated: 2025-07-07. Review status: criteria provided, single submitter. Criteria: DASA Assertion Criteria. Collection method: clinical testing. Allele origin: germline.
Comment: NM_006852.6(TLK2):c.267+8A>G is a splice-region variant. This variant is absent from population databases. Computational prediction algorithms are consistent with a benign effect. The currently available literature and clinical evidence are not sufficient to establish a definitive association between this variant and the reported condition. Therefore, this variant is classified as a variant of uncertain significance.

NM_006852.6(TLK2):c.267+8A>G

Gene: TLK2 (tousled like kinase 2; plus strand). Cytogenetic location: 17q23.2.
Variant type: single nucleotide variant.
Coding change: c.267+8A>G on transcript NM_006852.6 (MANE Select); 8 bases into the intron after coding-DNA position 267, A replaced by G.
Molecular consequence: intron variant.
Genome position (GRCh38, 1-based): chr17:62,523,185, A>G. VCF-style: chr17-62523185-A-G. GRCh37 (hg19) VCF-style: chr17-60600546-A-G.
Other names: c.267+8A>G (NM_001375271.1, NM_001438204.1, NM_001375270.1 and 6 more transcripts); c.-85+8A>G (NM_001375273.1, NM_001330418.3); c.405+8A>G (NM_001375269.1).
Identifiers: ClinVar variation 4883397 (VCV004883397.2).